The following is an entry in ClinVar:

ClinVar aggregate classification (germline): Pathogenic (1 of 4 stars; one submission).

Conditions:
Ehlers-Danlos syndrome, dermatosparaxis type. Also called: EDS VIIC; Dermatosparaxis; Ehlers-Danlos syndrome, type VII, autosomal recessive. Identifiers: Orphanet 1901, MedGen C2700425, MONDO:0009161, OMIM 225410.

Submission:

Myriad Genetics, Inc.
Classification: Pathogenic for Ehlers-Danlos syndrome, dermatosparaxis type. Last evaluated: 2024-05-14. Review status: criteria provided, single submitter. Criteria: Myriad Autosomal Dominant, Autosomal Recessive and X-Linked Classification Criteria (2023). Collection method: clinical testing. Allele origin: unknown.
Comment: NM_014244.4(ADAMTS2):c.32_33ins8(L12Rfs*156) is expected to be pathogenic in the context of Ehlers-Danlos syndrome, ADAMTS2-related. This variant is predicted to lead to an abnormal or absent protein product due to the creation of a premature termination codon in ADAMTS2, a gene where loss-of-function variants are known to be pathogenic. Please note: this variant was assessed in the context of healthy population screening.

NM_014244.5(ADAMTS2):c.32_33insAAGAGACA (p.Leu12fs)

Gene: ADAMTS2 (ADAM metallopeptidase with thrombospondin type 1 motif 2; minus strand). Cytogenetic location: 5q35.3.
Variant type: Insertion.
Coding change: c.32_33insAAGAGACA on transcript NM_014244.5 (MANE Select); coding-DNA positions 32 to 33, AAGAGACA inserted.
Protein change: p.Leu12fs; shifts the reading frame from leucine 12.
Molecular consequence: frameshift variant.
Genome position: GRCh38 VCF-style: chr5-179345296-C-CTGTCTCTT. GRCh37 (hg19) VCF-style: chr5-178772297-C-CTGTCTCTT.
Other names: c.32_33insAAGAGACA, p.Leu12fs (NM_021599.4); short protein forms L12fs.
Identifiers: ClinVar variation 5016345 (VCV005016345.1).